The following is an entry in ClinVar:

ClinVar aggregate classification (germline): Conflicting classifications of pathogenicity. Review status: criteria provided, conflicting classifications (1 of 4 stars). 3 submissions from 3 submitters: Uncertain significance (2); Benign (1). Last evaluated 2025-07-29.

Conditions:
Inborn genetic diseases. Identifiers: MedGen C0950123, MeSH D030342.

Allele frequency attached by ClinVar (database versions not stated): ExAC 0.00006; TOPMed 0.00010.
gnomAD v4.1: 62 of 1,533,530 alleles (0.004%); highest among the groups gnomAD compares: Admixed American, 0.084%; no homozygotes.

Submissions (3):

Mayo Clinic Laboratories, Mayo Clinic
Classification: Uncertain significance. Last evaluated: 2025-07-29. Review status: criteria provided, single submitter. Criteria: ACMG Guidelines, 2015. Collection method: clinical testing. Allele origin: germline. Observed: 1 variant allele.
Comment: BP4_moderate

Ambry Genetics
Classification: Uncertain significance for Inborn genetic diseases. Last evaluated: 2025-04-03. Review status: criteria provided, single submitter. Criteria: Ambry Variant Classification Scheme 2023. Collection method: clinical testing. Allele origin: germline.

Labcorp Genetics (formerly Invitae), Labcorp
Classification: Benign. Last evaluated: 2024-08-13. Review status: criteria provided, single submitter. Criteria: Invitae Variant Classification Sherloc (09022015). Collection method: clinical testing. Allele origin: germline.

NM_001142864.4(PIEZO1):c.497C>T (p.Pro166Leu)

Genes: HSALR1 (HSP90AB1 associated lncRNA 1; plus strand), PIEZO1 (piezo type mechanosensitive ion channel component 1 (Er blood group); minus strand). Cytogenetic location: 16q24.3.
Variant type: single nucleotide variant.
Coding change: c.497C>T on transcript NM_001142864.4 (MANE Select); coding-DNA position 497, C replaced by T.
Protein change: p.Pro166Leu; replaces proline 166 with leucine.
Molecular consequence: missense variant. On other transcripts: non-coding transcript variant (1).
Genome position (GRCh38, 1-based): chr16:88,738,705, G>A on the plus strand (C>T on the coding strand, the complement: PIEZO1 is on the minus strand). VCF-style: chr16-88738705-G-A. GRCh37 (hg19) VCF-style: chr16-88805113-G-A.
Other names: p.Pro166Leu; c.497C>T (NM_001142864.2); short protein forms P166L.
Identifiers: ClinVar variation 2715690 (VCV002715690.5), dbSNP rs776838552, ClinGen allele CA8233253.